The following is an entry in ClinVar:

NM_022489.4(INF2):c.2042A>T (p.Glu681Val)

Gene: INF2 (inverted formin 2; plus strand). Cytogenetic location: 14q32.33.
Variant type: single nucleotide variant.
Coding change: c.2042A>T on transcript NM_022489.4 (MANE Select); coding-DNA position 2042, A replaced by T.
Protein change: p.Glu681Val; replaces glutamic acid 681 with valine.
Molecular consequence: missense variant. On other transcripts: non-coding transcript variant (1).
Genome position (GRCh38, 1-based): chr14:104,709,373, A>T. VCF-style: chr14-104709373-A-T. GRCh37 (hg19) VCF-style: chr14-105175710-A-T.
Other names: c.2042A>T, p.Glu681Val (NM_001031714.4, NM_001426862.1, NM_001426863.1 and 2 more transcripts); short protein forms E681V.
Identifiers: ClinVar variation 4975909 (VCV004975909.1).

ClinVar aggregate classification (germline): Uncertain significance (1 of 4 stars; one submission).

gnomAD v4.1: 1 of 1,612,356 alleles (0.000062%); highest among the groups gnomAD compares: African/African-American, 0.0013%; no homozygotes.

Submission:

GeneDx
Classification: Uncertain significance. Last evaluated: 2026-02-10. Review status: criteria provided, single submitter. Criteria: GeneDx Variant Classification Process June 2021. Collection method: clinical testing. Allele origin: germline.
Comment: Not observed at significant frequency in large population cohorts (gnomAD); In silico analysis supports that this missense variant has a deleterious effect on protein structure/function; Has not been previously published as pathogenic or benign to our knowledge